The following is an entry in ClinVar:

ClinVar aggregate classification (germline): Uncertain significance (1 of 4 stars; one submission).

Conditions:
Hereditary cancer-predisposing syndrome. Also called: Neoplastic Syndromes, Hereditary; Tumor predisposition; Hereditary neoplastic syndrome; Hereditary Cancer Syndrome. Identifiers: Orphanet 140162, MedGen C0027672, MeSH D009386, MONDO:0015356.

Submission:

Ambry Genetics
Classification: Uncertain significance for Hereditary cancer-predisposing syndrome. Last evaluated: 2026-02-06. Review status: criteria provided, single submitter. Criteria: Ambry Variant Classification Scheme 2023. Collection method: clinical testing. Allele origin: germline.
Comment: The p.E440Q variant (also known as c.1318G>C), located in coding exon 10 of the SDHA gene, results from a G to C substitution at nucleotide position 1318. The glutamic acid at codon 440 is replaced by glutamine, an amino acid with highly similar properties. This amino acid position is highly conserved in available vertebrate species. In addition, this alteration is predicted to be deleterious by in silico analysis. Based on the available evidence, the clinical significance of this variant remains unclear.

NM_004168.4(SDHA):c.1318G>C (p.Glu440Gln)

Gene: SDHA (succinate dehydrogenase complex flavoprotein subunit A; plus strand). Cytogenetic location: 5p15.33.
Variant type: single nucleotide variant.
Coding change: c.1318G>C on transcript NM_004168.4 (MANE Select); coding-DNA position 1318, G replaced by C.
Protein change: p.Glu440Gln; replaces glutamic acid 440 with glutamine.
Molecular consequence: missense variant.
Genome position (GRCh38, 1-based): chr5:236,485, G>C. VCF-style: chr5-236485-G-C. GRCh37 (hg19) VCF-style: chr5-236600-G-C.
Other names: c.1174G>C, p.Glu392Gln (NM_001294332.2); c.1318G>C, p.Glu440Gln (NM_001330758.2); short protein forms E392Q, E440Q.
Identifiers: ClinVar variation 3951345 (VCV003951345.2).